The following is an entry in ClinVar:

NM_022124.6(CDH23):c.6254-3_6254delinsT

Gene: CDH23 (cadherin related 23; plus strand). Cytogenetic location: 10q22.1.
Variant type: Indel.
Coding change: c.6254-3_6254delinsT on transcript NM_022124.6 (MANE Select); 3 bases into the intron before coding-DNA position 6254 through coding-DNA position 6254, CAGG replaced by T.
Molecular consequence: splice acceptor variant.
Genome position (GRCh38, 1-based): chr10:71,793,179-71,793,182, CAGG replaced by T. VCF-style: chr10-71793179-CAGG-T. GRCh37 (hg19) VCF-style: chr10-73552936-CAGG-T.
Identifiers: ClinVar variation 971308 (VCV000971308.6), dbSNP rs1841308758, ClinGen allele CA1139661501.
Genomic context (GRCh38, chr10:71,793,179, plus strand): 5'-TCTTGGTAGATCTTTCTGGAAGAGGCCACTGTGCGCAGCTACTCCCTTTTCCCTCTCCAA[CAGG>T]ATTCTCAGTCCTTCAAGTCACAGCCACAGATGAGGACAGTGGCCTCAATGGGGAGCTGGT-3'

ClinVar aggregate classification (germline): Pathogenic (1 of 4 stars; one submission).

Submission:

Labcorp Genetics (formerly Invitae), Labcorp
Classification: Pathogenic. Last evaluated: 2022-11-22. Review status: criteria provided, single submitter. Criteria: Invitae Variant Classification Sherloc (09022015). Collection method: clinical testing. Allele origin: germline.
Comment: This variant results in the deletion of part of exon 48 (c.6254-3_6254delinsT) of the CDH23 gene. It is expected to disrupt RNA splicing. Variants that disrupt the donor or acceptor splice site typically lead to a loss of protein function (PMID: 16199547), and loss-of-function variants in CDH23 are known to be pathogenic (PMID: 11138009, 21940737). For these reasons, this variant has been classified as Pathogenic. Algorithms developed to predict the effect of sequence changes on RNA splicing suggest that this variant may disrupt the consensus splice site. This variant has been observed in individual(s) with Usher syndrome (PMID: 22135276). This variant is present in population databases (no rsID available, gnomAD 0.0009%).

Literature cited by the submitters: PubMed 16199547; PubMed 11138009; PubMed 21940737; PubMed 22135276.